The following is an entry in ClinVar:

NM_020702.5(MYORG):c.1394dup (p.Glu466fs)

Gene: MYORG (myogenesis regulating glycosidase; minus strand). Cytogenetic location: 9p13.3.
Variant type: Duplication.
Coding change: c.1394dup on transcript NM_020702.5 (MANE Select); coding-DNA position 1394, one base duplicated (G; older notation c.1394dupG).
Protein change: p.Glu466fs; shifts the reading frame from glutamic acid 466.
Molecular consequence: frameshift variant.
Genome position (GRCh38, 1-based): chr9:34,371,550, C duplicated on the plus strand (G on the coding strand, the reverse complement: MYORG is on the minus strand); the first of 3 consecutive C bases (chr9:34,371,550-34,371,552); duplicating any one gives the same sequence. VCF-style (leftmost placement, unchanged base first): chr9-34371549-G-GC. GRCh37 (hg19) VCF-style: chr9-34371547-G-GC.
Other names: short protein forms E466fs.
Identifiers: ClinVar variation 4813692 (VCV004813692.1).

ClinVar aggregate classification (germline): Pathogenic (1 of 4 stars; one submission).

Conditions:
Basal ganglia calcification, idiopathic, 7, autosomal recessive. Also called: PRIMARY FAMILIAL BRAIN CALCIFICATION 7, AUTOSOMAL RECESSIVE. Identifiers: MedGen C5193025, MONDO:0032673, OMIM 618317.

Submission:

Variantyx, Inc.
Classification: Pathogenic for Basal ganglia calcification, idiopathic, 7, autosomal recessive. Last evaluated: 2025-07-21. Review status: criteria provided, single submitter. Criteria: Variantyx Assertion Criteria 2022. Collection method: clinical testing. Allele origin: germline. Inheritance: Autosomal recessive inheritance. Affected: no.
Comment: This is a frameshift variant in the MYORG gene (OMIM: 618255). Pathogenic variants in this gene have been associated with autosomal recessive idiopathic basal ganglia calcification 7. This variant introduces a premature termination codon in exon 2 out of 2 and is expected to result in loss of function, which is a known disease mechanism for MYORG in this disorder (PMID: 31009047) (PVS1). This variant has been identified in the homozygous or compound heterozygous state in at least 1 individual reported in the published literature (PMID: 31009047) (PM3) and has a 0.0001% maximum allele frequency in non-founder control populations (PM2). Based on the current evidence, this variant is classified as pathogenic for autosomal recessive idiopathic basal ganglia calcification 7.

Literature cited by the submitters: PubMed 31009047.